The following is an entry in ClinVar:

ClinVar aggregate classification (germline): Uncertain significance. Review status: criteria provided, multiple submitters, no conflicts (2 of 4 stars). 4 submissions from 4 submitters: Uncertain significance (3). 1 of the submissions does not count toward it. Last evaluated 2025-06-09.

Conditions:
Hereditary cancer-predisposing syndrome. Also called: Tumor predisposition; Hereditary Cancer Syndrome; Hereditary neoplastic syndrome; Neoplastic Syndromes, Hereditary. Identifiers: Orphanet 140162, MedGen C0027672, MeSH D009386, MONDO:0015356.
Breast-ovarian cancer, familial, susceptibility to, 1 (BROVCA1). Also called: BRCA1 Hereditary Breast and Ovarian Cancer; OVARIAN CANCER, SUSCEPTIBILITY TO. Identifiers: Orphanet 145, MedGen C2676676, MONDO:0011450, OMIM 604370. Disease mechanism: loss of function.
Hereditary breast ovarian cancer syndrome. Also called: Hereditary breast and ovarian cancer; Hereditary breast and ovarian cancer syndrome (HBOC); BRCA1- and BRCA2-Associated Hereditary Breast and Ovarian Cancer; Hereditary breast and ovarian cancer syndrome; Breast and ovarian cancer; Hereditary breast and/or ovarian cancer syndrome. Identifiers: Orphanet 145, MedGen C0677776, MeSH D061325, MONDO:0003582. Disease mechanism: loss of function.

Submissions (4):

Ambry Genetics
Classification: Uncertain significance for Hereditary cancer-predisposing syndrome. Last evaluated: 2025-06-09. Review status: criteria provided, single submitter. Criteria: Ambry Variant Classification Scheme 2023. Collection method: clinical testing. Allele origin: germline.
Comment: The p.P968Q variant (also known as c.2903C>A), located in coding exon 9 of the BRCA1 gene, results from a C to A substitution at nucleotide position 2903. The proline at codon 968 is replaced by glutamine, an amino acid with similar properties. This amino acid position is not well conserved in available vertebrate species. In addition, this alteration is predicted to be tolerated by in silico analysis. Based on the available evidence, the clinical significance of this variant remains unclear.

Labcorp Genetics (formerly Invitae), Labcorp
Classification: Uncertain significance for Hereditary breast ovarian cancer syndrome. Last evaluated: 2023-12-19. Review status: criteria provided, single submitter. Criteria: Invitae Variant Classification Sherloc (09022015). Collection method: clinical testing. Allele origin: germline.
Comment: This sequence change replaces proline, which is neutral and non-polar, with glutamine, which is neutral and polar, at codon 968 of the BRCA1 protein (p.Pro968Gln). This variant is not present in population databases (gnomAD no frequency). This variant has not been reported in the literature in individuals affected with BRCA1-related conditions. Advanced modeling of protein sequence and biophysical properties (such as structural, functional, and spatial information, amino acid conservation, physicochemical variation, residue mobility, and thermodynamic stability) performed at Invitae indicates that this missense variant is not expected to disrupt BRCA1 protein function with a negative predictive value of 95%. In summary, the available evidence is currently insufficient to determine the role of this variant in disease. Therefore, it has been classified as a Variant of Uncertain Significance.

All of Us Research Program, National Institutes of Health
Classification: Uncertain significance for Breast-ovarian cancer, familial, susceptibility to, 1. Last evaluated: 2023-07-10. Review status: criteria provided, single submitter. Criteria: ACMG Guidelines, 2015. Collection method: clinical testing. Allele origin: germline. Inheritance: Autosomal dominant inheritance. Observed: 1 variant allele, 1 heterozygote.
Comment: This missense variant replaces proline with glutamine at codon 968 of the BRCA1 protein. Computational prediction suggests that this variant may not impact protein structure and function (internally defined REVEL score threshold <= 0.5, PMID: 27666373). To our knowledge, functional studies have not been reported for this variant. This variant has not been reported in individuals affected with BRCA1-related disorders in the literature. This variant has not been identified in the general population by the Genome Aggregation Database (gnomAD). The available evidence is insufficient to determine the role of this variant in disease conclusively. Therefore, this variant is classified as a Variant of Uncertain Significance.

This study involves interpretation of variants in research participants for the purpose of population health screening. Participant phenotype was not available at the time of variant classification. Additional details can be found in publication PMID: 35346344, PMCID: PMC8962531

BRCAlab, Lund University
Classification: Uncertain significance for Breast-ovarian cancer, familial, susceptibility to, 1. Last evaluated: 2020-03-02. Review status: no assertion criteria provided. Collection method: clinical testing. Allele origin: germline. Affected: yes. Not counted in ClinVar's aggregate classification.

NM_007294.4(BRCA1):c.2903C>A (p.Pro968Gln)

Gene: BRCA1 (BRCA1 DNA repair associated; minus strand). Cytogenetic location: 17q21.31.
Variant type: single nucleotide variant.
Coding change: c.2903C>A on transcript NM_007294.4 (MANE Select); coding-DNA position 2903, C replaced by A.
Protein change: p.Pro968Gln; replaces proline 968 with glutamine.
Molecular consequence: missense variant. On other transcripts: intron variant (137).
Genome position (GRCh38, 1-based): chr17:43,092,628, G>T on the plus strand (C>A on the coding strand, the complement: BRCA1 is on the minus strand). VCF-style: chr17-43092628-G-T. GRCh37 (hg19) VCF-style: chr17-41244645-G-T.
Other names: c.2825C>A, p.Pro942Gln (NM_001407663.1, NM_001407653.1, NM_001407654.1 and 4 more transcripts); c.2780C>A, p.Pro927Gln (NM_001407664.1, NM_001407665.1, NM_001407666.1 and 19 more transcripts); c.2777C>A, p.Pro926Gln (NM_001407670.1, NM_001407671.1, NM_001407649.1 and 11 more transcripts); c.2762C>A, p.Pro921Gln (NM_001407851.1, NM_001407852.1, NM_001407727.1 and 29 more transcripts); c.2690C>A, p.Pro897Gln (NM_001407853.1, NM_001407917.1, NM_001407918.1 and 9 more transcripts); c.2903C>A, p.Pro968Gln (NM_001407854.1, NM_001407858.1, NM_001407859.1 and 30 more transcripts); c.2900C>A, p.Pro967Gln (NM_001407860.1, NM_001407861.1, NM_001407627.1 and 22 more transcripts); c.2702C>A, p.Pro901Gln (NM_001407862.1); and 41 more; short protein forms P672Q, P800Q, P840Q, P841Q, P856Q, P857Q, P879Q, P880Q.
Identifiers: ClinVar variation 2692278 (VCV002692278.5), dbSNP rs2154353347, ClinGen allele CA10596187.